The following is an entry in ClinVar:

NM_006231.4(POLE):c.2224C>T (p.Arg742Cys)

Gene: POLE (DNA polymerase epsilon, catalytic subunit; minus strand). Cytogenetic location: 12q24.33.
Variant type: single nucleotide variant.
Coding change: c.2224C>T on transcript NM_006231.4 (MANE Select); coding-DNA position 2224, C replaced by T.
Protein change: p.Arg742Cys; replaces arginine 742 with cysteine.
Molecular consequence: missense variant.
Genome position (GRCh38, 1-based): chr12:132,667,598, G>A on the plus strand (C>T on the coding strand, the complement: POLE is on the minus strand). VCF-style: chr12-132667598-G-A. GRCh37 (hg19) VCF-style: chr12-133244184-G-A.
Other names: short protein forms R742C.
Identifiers: ClinVar variation 581303 (VCV000581303.6), dbSNP rs768004570, ClinGen allele CA6893623.

ClinVar aggregate classification (germline): Uncertain significance (1 of 4 stars; one submission).

Allele frequency attached by ClinVar (database versions not stated): gnomAD exomes below 0.00001; ExAC 0.00001.
gnomAD v4.1: 4 of 1,614,068 alleles (0.00025%); highest among the groups gnomAD compares: Admixed American, 0.0017%; no homozygotes.

Submission:

Labcorp Genetics (formerly Invitae), Labcorp
Classification: Uncertain significance. Last evaluated: 2025-04-14. Review status: criteria provided, single submitter. Criteria: Invitae Variant Classification Sherloc (09022015). Collection method: clinical testing. Allele origin: germline.
Comment: This sequence change replaces arginine, which is basic and polar, with cysteine, which is neutral and slightly polar, at codon 742 of the POLE protein (p.Arg742Cys). This variant is present in population databases (rs768004570, gnomAD 0.0009%). This variant has not been reported in the literature in individuals affected with POLE-related conditions. ClinVar contains an entry for this variant (Variation ID: 581303). Invitae Evidence Modeling of protein sequence and biophysical properties (such as structural, functional, and spatial information, amino acid conservation, physicochemical variation, residue mobility, and thermodynamic stability) indicates that this missense variant is not expected to disrupt POLE protein function with a negative predictive value of 80%. In summary, the available evidence is currently insufficient to determine the role of this variant in disease. Therefore, it has been classified as a Variant of Uncertain Significance.